The following is an entry in ClinVar:

ClinVar aggregate classification (germline): Uncertain significance (1 of 4 stars; one submission).

Conditions:
Hereditary spastic paraplegia. Also called: Familial spastic paraparesis. Identifiers: Orphanet 685, MedGen C0037773, MONDO:0019064. Disease mechanism: loss of function.

gnomAD v4.1: 3 of 1,613,918 alleles (0.00019%); no homozygotes.

Submission:

Labcorp Genetics (formerly Invitae), Labcorp
Classification: Uncertain significance for Hereditary spastic paraplegia. Last evaluated: 2025-01-15. Review status: criteria provided, single submitter. Criteria: Invitae Variant Classification Sherloc (09022015). Collection method: clinical testing. Allele origin: germline.
Comment: This sequence change replaces glutamine, which is neutral and polar, with proline, which is neutral and non-polar, at codon 136 of the USP8 protein (p.Gln136Pro). This variant is present in population databases (rs764108123, gnomAD 0.01%). This variant has not been reported in the literature in individuals affected with USP8-related conditions. An algorithm developed to predict the effect of missense changes on protein structure and function (PolyPhen-2) suggests that this variant is likely to be tolerated. In summary, the available evidence is currently insufficient to determine the role of this variant in disease. Therefore, it has been classified as a Variant of Uncertain Significance.

NM_005154.5(USP8):c.407A>C (p.Gln136Pro)

Gene: USP8 (ubiquitin specific peptidase 8; plus strand). Cytogenetic location: 15q21.2.
Variant type: single nucleotide variant.
Coding change: c.407A>C on transcript NM_005154.5 (MANE Select); coding-DNA position 407, A replaced by C.
Protein change: p.Gln136Pro; replaces glutamine 136 with proline.
Molecular consequence: missense variant.
Genome position (GRCh38, 1-based): chr15:50,459,071, A>C. VCF-style: chr15-50459071-A-C. GRCh37 (hg19) VCF-style: chr15-50751268-A-C.
Other names: c.407A>C, p.Gln136Pro (NM_001128610.3); c.176A>C, p.Gln59Pro (NM_001283049.2); short protein forms Q136P, Q59P.
Identifiers: ClinVar variation 3694151 (VCV003694151.2).
Genomic context (GRCh38, chr15:50,459,071, plus strand): 5'-CTGAAGTCCGGAAAAAACTTGAGGAAAAAGACAGGCAGGAGGAAGCACAGCGGCTACAAC[A>C]AAAAAGGCAGGAAACAGGAAGAGAGGATGGTGGCACATTGGCTAAAGGCTCTTTGGAGAA-3'
Protein context (NP_005145.3, residues 126-146): DRQEEAQRLQ[Gln136Pro]KRQETGREDG